The following is an entry in ClinVar:

ClinVar aggregate classification (germline): Uncertain significance (1 of 4 stars; one submission).

Conditions:
Autosomal recessive limb-girdle muscular dystrophy type 2J (LGMDR10). Also called: MUSCULAR DYSTROPHY, LIMB-GIRDLE, AUTOSOMAL RECESSIVE 10; Limb-girdle muscular dystrophy, type 2J. Identifiers: Orphanet 140922, MedGen C1837342, MONDO:0012127, OMIM 608807.
Dilated cardiomyopathy 1G (CMD1G). Identifiers: Orphanet 154, MedGen C1858763, MONDO:0011400, OMIM 604145.

Submission:

Labcorp Genetics (formerly Invitae), Labcorp
Classification: Uncertain significance for Dilated cardiomyopathy 1G; Autosomal recessive limb-girdle muscular dystrophy type 2J. Last evaluated: 2025-04-06. Review status: criteria provided, single submitter. Criteria: Invitae Variant Classification Sherloc (09022015). Collection method: clinical testing. Allele origin: germline.
Comment: This sequence change replaces lysine, which is basic and polar, with asparagine, which is neutral and polar, at codon 34345 of the TTN protein (p.Lys34345Asn). This variant is not present in population databases (gnomAD no frequency). This variant has not been reported in the literature in individuals affected with TTN-related conditions. Experimental studies and prediction algorithms are not available or were not evaluated, and the functional significance of this variant is currently unknown. This variant is located in the M band of TTN (PMID: 25589632). Non-truncating variants in this region may be relevant for neuromuscular disorders, but have not been definitively shown to cause cardiomyopathy (PMID: 23975875). In summary, the available evidence is currently insufficient to determine the role of this variant in disease. Therefore, it has been classified as a Variant of Uncertain Significance.

Literature cited by the submitters: PubMed 25589632; PubMed 23975875.

NM_001267550.2(TTN):c.103035A>C (p.Lys34345Asn)

Genes: TTN (titin; minus strand), TTN-AS1 (TTN antisense RNA 1; plus strand). Cytogenetic location: 2q31.2.
Variant type: single nucleotide variant.
Coding change: c.103035A>C on transcript NM_001267550.2 (MANE Select); coding-DNA position 103035, A replaced by C.
Protein change: p.Lys34345Asn; replaces lysine 34345 with asparagine.
Molecular consequence: missense variant.
Genome position (GRCh38, 1-based): chr2:178,533,580, T>G on the plus strand (A>C on the coding strand, the complement: TTN is on the minus strand). VCF-style: chr2-178533580-T-G. GRCh37 (hg19) VCF-style: chr2-179398307-T-G.
Other names: c.98112A>C, p.Lys32704Asn (NM_001256850.1); c.75840A>C, p.Lys25280Asn (NM_003319.4); c.95331A>C, p.Lys31777Asn (NM_133378.4); c.76215A>C, p.Lys25405Asn (NM_133432.3); c.76416A>C, p.Lys25472Asn (NM_133437.4); short protein forms K25280N, K31777N, K34345N, K25405N, K25472N, K32704N.
Identifiers: ClinVar variation 4794028 (VCV004794028.1).
Genomic context (GRCh38, chr2:178,533,580, plus strand): 5'-GAACATGGGTCTTAAGGTACTATCTGTTGGAGGTGGGTGTAGGGTTACTGTCAGCTTTGC[T>G]TTACAGCTGTCTTCACCATATTTGTTCCTTGCCACAACAGTATATTCAGCGTCATCATCT-3'
Protein context (NP_001254479.2, residues 34335-34355): ARNKYGEDSC[Lys34345Asn]AKLTVTLHPP